The following is an entry in ClinVar:

NM_001148.6(ANK2):c.4375T>A (p.Ser1459Thr)

Gene: ANK2 (ankyrin 2; plus strand). Cytogenetic location: 4q26.
Variant type: single nucleotide variant.
Coding change: c.4375T>A on transcript NM_001148.6 (MANE Select); coding-DNA position 4375, T replaced by A.
Protein change: p.Ser1459Thr; replaces serine 1459 with threonine.
Molecular consequence: missense variant. On other transcripts: intron variant (8).
Genome position (GRCh38, 1-based): chr4:113,348,279, T>A. VCF-style: chr4-113348279-T-A. GRCh37 (hg19) VCF-style: chr4-114269435-T-A.
Other names: c.4348T>A, p.Ser1450Thr (NM_001127493.3); c.4387T>A, p.Ser1463Thr (NM_001354225.2); c.4276T>A, p.Ser1426Thr (NM_001354228.2, NM_001354258.2); c.4354T>A, p.Ser1452Thr (NM_001354230.2); c.4417T>A, p.Ser1473Thr (NM_001354231.2, NM_001354242.2); c.4411T>A, p.Ser1471Thr (NM_001354232.2); c.4372T>A, p.Ser1458Thr (NM_001354235.2, NM_001354246.2, NM_001354265.2); c.4273T>A, p.Ser1425Thr (NM_001354236.2); and 33 more; short protein forms S1298T, S1426T, S1449T, S1458T, S1478T, S1485T, S259T, S1359T.
Identifiers: ClinVar variation 1740116 (VCV001740116.4), dbSNP rs2095103969, ClinGen allele CA357913673.
Genomic context (GRCh38, chr4:113,348,279, plus strand): 5'-CTCTCTACTCTTCCTTCTCTCTTTTTTCCATCTTGCATGGCATCTTGGGGCGGAAAGGAA[T>A]CAGAGTCAGATCAAGAACAGGAGGAAGAGGTAATTTTATGACAGTGTCACTTGTTATCGG-3'
Protein context (NP_001139.3, residues 1449-1469): NITLPIYTKE[Ser1459Thr]ESDQEQEEEI

ClinVar aggregate classification (germline): Uncertain significance. Review status: criteria provided, multiple submitters, no conflicts (2 of 4 stars). 2 submissions from 2 submitters: Uncertain significance (2). Last evaluated 2024-09-03.

Conditions:
Cardiovascular phenotype. Identifiers: MedGen CN230736.
Long QT syndrome (LQTS). Identifiers: MedGen C0023976, MeSH D008133, MONDO:0002442. Disease mechanism: loss of function. Inheritance: Various modes of inheritance.

Allele frequency attached by ClinVar (database versions not stated): TOPMed below 0.00001.

Submissions (2):

Labcorp Genetics (formerly Invitae), Labcorp
Classification: Uncertain significance for Long QT syndrome. Last evaluated: 2024-09-03. Review status: criteria provided, single submitter. Criteria: Invitae Variant Classification Sherloc (09022015). Collection method: clinical testing. Allele origin: germline.
Comment: This sequence change replaces serine, which is neutral and polar, with threonine, which is neutral and polar, at codon 1459 of the ANK2 protein (p.Ser1459Thr). This variant is not present in population databases (gnomAD no frequency). This variant has not been reported in the literature in individuals affected with ANK2-related conditions. ClinVar contains an entry for this variant (Variation ID: 1740116). Invitae Evidence Modeling of protein sequence and biophysical properties (such as structural, functional, and spatial information, amino acid conservation, physicochemical variation, residue mobility, and thermodynamic stability) has been performed for this missense variant. However, the output from this modeling did not meet the statistical confidence thresholds required to predict the impact of this variant on ANK2 protein function. In summary, the available evidence is currently insufficient to determine the role of this variant in disease. Therefore, it has been classified as a Variant of Uncertain Significance.

Ambry Genetics
Classification: Uncertain significance for Cardiovascular phenotype. Last evaluated: 2021-07-19. Review status: criteria provided, single submitter. Criteria: Ambry Variant Classification Scheme 2023. Collection method: clinical testing. Allele origin: germline.
Comment: The p.S1459T variant (also known as c.4375T>A), located in coding exon 36 of the ANK2 gene, results from a T to A substitution at nucleotide position 4375. The serine at codon 1459 is replaced by threonine, an amino acid with similar properties. This amino acid position is highly conserved in available vertebrate species. In addition, this alteration is predicted to be tolerated by in silico analysis. Since supporting evidence is limited at this time, the clinical significance of this alteration remains unclear.